The following is an entry in ClinVar:

NM_024675.4(PALB2):c.1525_1526delinsTT (p.Gly509Phe)

Gene: PALB2 (partner and localizer of BRCA2; minus strand). Cytogenetic location: 16p12.2.
Variant type: Indel.
Coding change: c.1525_1526delinsTT on transcript NM_024675.4 (MANE Select); coding-DNA positions 1525 to 1526, GG replaced by TT.
Protein change: p.Gly509Phe; replaces glycine 509 with phenylalanine.
Molecular consequence: missense variant. On other transcripts: intron variant (3).
Genome position (GRCh38, 1-based): chr16:23,635,020-23,635,021, CC replaced by AA on the plus strand (GG replaced by TT on the coding strand, the reverse complement: PALB2 is on the minus strand). VCF-style: chr16-23635020-CC-AA. GRCh37 (hg19) VCF-style: chr16-23646341-CC-AA.
Other names: c.1465_1466delinsTT, p.Gly489Phe (NM_001407296.1); c.1525_1526delinsTT, p.Gly509Phe (NM_001407297.1, NM_001407298.1, NM_001407299.1 and 3 more transcripts); c.640_641delinsTT, p.Gly214Phe (NM_001407304.1, NM_001407305.1, NM_001407306.1 and 5 more transcripts); c.49-5746_49-5745delinsTT (NM_001407314.1); c.-104-4552_-104-4551delinsTT (NM_001407313.1, NM_001407312.1); short protein forms G214F, G489F, G509F.
Identifiers: ClinVar variation 2587415 (VCV002587415.2), dbSNP rs2506474610, ClinGen allele CA2582342516.

ClinVar aggregate classification (germline): Uncertain significance (1 of 4 stars; one submission).

Conditions:
Hereditary cancer-predisposing syndrome. Also called: Tumor predisposition; Hereditary Cancer Syndrome; Hereditary neoplastic syndrome; Neoplastic Syndromes, Hereditary. Identifiers: Orphanet 140162, MedGen C0027672, MeSH D009386, MONDO:0015356.

Submission:

Ambry Genetics
Classification: Uncertain significance for Hereditary cancer-predisposing syndrome. Last evaluated: 2023-08-21. Review status: criteria provided, single submitter. Criteria: Ambry Variant Classification Scheme 2023. Collection method: clinical testing. Allele origin: germline.
Comment: The c.1525_1526delGGinsTT variant (also known as p.G509F), located in coding exon 4 of the PALB2 gene, results from an in-frame deletion of GG and insertion of TT at nucleotide positions 1525 to 1526. This results in the substitution of the glycine residue for a phenylalanine residue at codon 509, an amino acid with highly dissimilar properties. This amino acid position is not well conserved in available vertebrate species. In addition, the in silico prediction for this alteration is inconclusive (Choi Y et al. PLoS ONE. 2012; 7(10):e46688). Since supporting evidence is limited at this time, the clinical significance of this alteration remains unclear.